The following is an entry in ClinVar:

ClinVar aggregate classification (germline): Uncertain significance. Review status: criteria provided, multiple submitters, no conflicts (2 of 4 stars). 3 submissions from 3 submitters: Uncertain significance (3). Last evaluated 2025-04-30.

Conditions:
Primary ciliary dyskinesia. Also called: Ciliary dyskinesia. Identifiers: Orphanet 244, MedGen C0008780, MONDO:0016575, HP:0012265.

Allele frequency attached by ClinVar (database versions not stated): gnomAD exomes below 0.00001; TOPMed 0.00001.
gnomAD v4.1: 2 of 1,613,778 alleles (0.00012%); highest among the groups gnomAD compares: South Asian, 0.0011%; no homozygotes.

Submissions (3):

Ambry Genetics
Classification: Uncertain significance for Primary ciliary dyskinesia. Last evaluated: 2025-04-30. Review status: criteria provided, single submitter. Criteria: Ambry Variant Classification Scheme 2023. Collection method: clinical testing. Allele origin: germline.

Labcorp Genetics (formerly Invitae), Labcorp
Classification: Uncertain significance for Primary ciliary dyskinesia. Last evaluated: 2022-07-27. Review status: criteria provided, single submitter. Criteria: Invitae Variant Classification Sherloc (09022015). Collection method: clinical testing. Allele origin: germline.
Comment: This sequence change replaces isoleucine, which is neutral and non-polar, with valine, which is neutral and non-polar, at codon 1549 of the DNAH11 protein (p.Ile1549Val). This variant is not present in population databases (gnomAD no frequency). This variant has not been reported in the literature in individuals affected with DNAH11-related conditions. ClinVar contains an entry for this variant (Variation ID: 644701). Advanced modeling of protein sequence and biophysical properties (such as structural, functional, and spatial information, amino acid conservation, physicochemical variation, residue mobility, and thermodynamic stability) performed at Invitae indicates that this missense variant is not expected to disrupt DNAH11 protein function. In summary, the available evidence is currently insufficient to determine the role of this variant in disease. Therefore, it has been classified as a Variant of Uncertain Significance.

Blueprint Genetics
Classification: Uncertain significance. Last evaluated: 2021-11-10. Review status: criteria provided, single submitter. Criteria: ACMG Guidelines, 2015. Collection method: clinical testing. Allele origin: germline.

NM_001277115.2(DNAH11):c.4645A>G (p.Ile1549Val)

Gene: DNAH11 (dynein axonemal heavy chain 11; plus strand). Cytogenetic location: 7p15.3.
Variant type: single nucleotide variant.
Coding change: c.4645A>G on transcript NM_001277115.2 (MANE Select); coding-DNA position 4645, A replaced by G.
Protein change: p.Ile1549Val; replaces isoleucine 1549 with valine.
Molecular consequence: missense variant.
Genome position (GRCh38, 1-based): chr7:21,636,015, A>G. VCF-style: chr7-21636015-A-G. GRCh37 (hg19) VCF-style: chr7-21675633-A-G.
Other names: short protein forms I1549V.
Identifiers: ClinVar variation 644701 (VCV000644701.5), dbSNP rs1488994370, ClinGen allele CA366933435.